The following is an entry in ClinVar:

NM_001352754.2(ARMC9):c.1343dup (p.Gln449fs)

Gene: ARMC9 (armadillo repeat containing 9; plus strand). Cytogenetic location: 2q37.1.
Variant type: Duplication.
Coding change: c.1343dup on transcript NM_001352754.2 (MANE Select); coding-DNA position 1343, one base duplicated (T; older notation c.1343dupT).
Protein change: p.Gln449fs; shifts the reading frame from glutamine 449.
Molecular consequence: frameshift variant. On other transcripts: non-coding transcript variant (1).
Genome position (GRCh38, 1-based): chr2:231,276,644, T duplicated. VCF-style (leftmost placement, unchanged base first): chr2-231276643-C-CT. GRCh37 (hg19) VCF-style: chr2-232141356-C-CT.
Other names: c.1343dup, p.Gln449fs (NM_001271466.4, NM_001291656.2, NM_001352755.2 and 3 more transcripts); c.1244dup, p.Gln416fs (NM_001352757.2, NM_001352758.2); short protein forms Q416fs, Q449fs.
Identifiers: ClinVar variation 3693618 (VCV003693618.2).

ClinVar aggregate classification (germline): Pathogenic (1 of 4 stars; one submission).

Submission:

Labcorp Genetics (formerly Invitae), Labcorp
Classification: Pathogenic. Last evaluated: 2024-08-01. Review status: criteria provided, single submitter. Criteria: Invitae Variant Classification Sherloc (09022015). Collection method: clinical testing. Allele origin: germline.
Comment: This sequence change creates a premature translational stop signal (p.Gln449Alafs*15) in the ARMC9 gene. It is expected to result in an absent or disrupted protein product. Loss-of-function variants in ARMC9 are known to be pathogenic (PMID: 28625504). This variant is present in population databases (no rsID available, gnomAD 0.0009%). This variant has not been reported in the literature in individuals affected with ARMC9-related conditions. For these reasons, this variant has been classified as Pathogenic.

Literature cited by the submitters: PubMed 28625504.